The following is an entry in ClinVar:

ClinVar aggregate classification (germline): Pathogenic (1 of 4 stars; one submission).

Conditions:
Hereditary cancer-predisposing syndrome. Also called: Tumor predisposition; Neoplastic Syndromes, Hereditary; Hereditary Cancer Syndrome; Hereditary neoplastic syndrome. Identifiers: Orphanet 140162, MedGen C0027672, MeSH D009386, MONDO:0015356.

Submission:

Ambry Genetics
Classification: Pathogenic for Hereditary cancer-predisposing syndrome. Last evaluated: 2025-01-15. Review status: criteria provided, single submitter. Criteria: Ambry Variant Classification Scheme 2023. Collection method: clinical testing. Allele origin: germline.
Comment: The c.3870_3885dup16 variant, located in coding exon 9 of the MSH6 gene, results from a duplication of TAAGGGAGCTTGTCCT at nucleotide position 3870, causing a translational frameshift with a predicted alternate stop codon (p.K1296*). This variant is considered to be rare based on population cohorts in the Genome Aggregation Database (gnomAD). This alteration is expected to result in loss of function by premature protein truncation or nonsense-mediated mRNA decay. As such, this alteration is interpreted as a disease-causing mutation.

NM_000179.3(MSH6):c.3870_3885dup (p.Lys1296Ter)

Gene: MSH6 (mutS homolog 6; plus strand). Cytogenetic location: 2p16.3.
Variant type: Duplication.
Coding change: c.3870_3885dup on transcript NM_000179.3 (MANE Select); coding-DNA positions 3870 to 3885, 16 bases duplicated (TAAGGGAGCTTGTCCT).
Protein change: p.Lys1296Ter; replaces lysine 1296 with a stop codon.
Molecular consequence: nonsense. On other transcripts: frameshift variant (2), non-coding transcript variant (5), intron variant (1).
Genome position (GRCh38, 1-based): chr2:47,806,520-47,806,535, TAAGGGAGCTTGTCCT duplicated; duplicating any 16 consecutive bases within chr2:47,806,519-47,806,535 gives the same sequence; the c. name uses the placement nearest the transcript's 3' end. VCF-style (leftmost placement, unchanged base first): chr2-47806518-A-ATTAAGGGAGCTTGTCC. GRCh37 (hg19) VCF-style: chr2-48033657-A-ATTAAGGGAGCTTGTCC.
Other names: c.3480_3495dup, p.Lys1166Ter (NM_001281492.2); c.2964_2979dup, p.Lys994Ter (NM_001281493.2, NM_001281494.2, NM_001406811.1 and 6 more transcripts); c.3966_3981dup, p.Lys1328Ter (NM_001406795.1); c.3870_3885dup, p.Lys1296Ter (NM_001406796.1, NM_001406808.1, NM_001406809.1); c.3573_3588dup, p.Lys1197Ter (NM_001406797.1, NM_001406801.1, NM_001406805.1 and 10 more transcripts); c.3696_3711dup, p.Lys1238Ter (NM_001406798.1); c.3345_3360dup, p.Lys1121Ter (NM_001406799.1, NM_001406806.1, NM_001406807.1); c.3857_3872dup, p.Ala1293fs (NM_001406800.1); and 10 more; short protein forms K1240*, K1296*, K223*, K245*, K611*, K1121*, K1197*, K1328*.
Identifiers: ClinVar variation 3875065 (VCV003875065.1).